The following is an entry in ClinVar:

NM_002485.5(NBN):c.1808T>C (p.Phe603Ser)

Gene: NBN (nibrin; minus strand). Cytogenetic location: 8q21.3.
Variant type: single nucleotide variant.
Coding change: c.1808T>C on transcript NM_002485.5 (MANE Select); coding-DNA position 1808, T replaced by C.
Protein change: p.Phe603Ser; replaces phenylalanine 603 with serine.
Molecular consequence: missense variant.
Genome position (GRCh38, 1-based): chr8:89,953,281, A>G on the plus strand (T>C on the coding strand, the complement: NBN is on the minus strand). VCF-style: chr8-89953281-A-G. GRCh37 (hg19) VCF-style: chr8-90965509-A-G.
Other names: c.1562T>C, p.Phe521Ser (NM_001024688.3); short protein forms F521S, F603S.
Identifiers: ClinVar variation 1307147 (VCV001307147.7), dbSNP rs1810522468, ClinGen allele CA371655046.
Genomic context (GRCh38, chr8:89,953,281, plus strand): 5'-CTCTCATTTAAAATGTTACTTACAGATATTTTGCTACTTTCTGGTACTGCTTCATCACTG[A>G]AAGTGTCATTTGTTTCTATATCCATCCTTGGCCTTTTTCTAACATTGACATCTTCCTCCT-3'
Protein context (NP_002476.2, residues 593-613): PRMDIETNDT[Phe603Ser]SDEAVPESSK

ClinVar aggregate classification (germline): Uncertain significance. Review status: criteria provided, multiple submitters, no conflicts (2 of 4 stars). 4 submissions from 4 submitters: Uncertain significance (4). Last evaluated 2026-08-28.

Conditions:
Hereditary cancer-predisposing syndrome. Also called: Neoplastic Syndromes, Hereditary; Tumor predisposition; Hereditary Cancer Syndrome; Hereditary neoplastic syndrome. Identifiers: Orphanet 140162, MedGen C0027672, MeSH D009386, MONDO:0015356.
Microcephaly, normal intelligence and immunodeficiency (NBS). Also called: Immunodeficiency, microcephaly with normal intelligence; IMMUNODEFICIENCY, MICROCEPHALY, AND CHROMOSOMAL INSTABILITY; SEEMANOVA SYNDROME II; Nijmegen breakage syndrome; Microcephaly with normal intelligence immunodeficiency and lymphoreticular malignancies; Nonsyndromal microcephaly autosomal recessive with normal intelligence. Identifiers: Orphanet 647, MedGen C0398791, MONDO:0009623, OMIM 251260.

Submissions (4):

Ambry Genetics
Classification: Uncertain significance for Hereditary cancer-predisposing syndrome. Last evaluated: 2026-08-28. Review status: criteria provided, single submitter. Criteria: Ambry Variant Classification Scheme 2023. Collection method: clinical testing. Allele origin: germline.
Comment: The p.F603S variant (also known as c.1808T>C), located in coding exon 11 of the NBN gene, results from a T to C substitution at nucleotide position 1808. The phenylalanine at codon 603 is replaced by serine, an amino acid with highly dissimilar properties. This amino acid position is conserved. In addition, this alteration is predicted to be tolerated by in silico analysis. Based on the available evidence, the clinical significance of this variant remains unclear.

Myriad Genetics, Inc.
Classification: Uncertain significance for Microcephaly, normal intelligence and immunodeficiency. Last evaluated: 2026-05-14. Review status: criteria provided, single submitter. Criteria: Myriad Autosomal Dominant, Autosomal Recessive and X-Linked Classification Criteria (2023). Collection method: clinical testing. Allele origin: unknown.
Comment: NM_002485.4(NBN):c.1808T>C(F603S) is a missense variant classified as a variant of uncertain significance in the context of Nijmegen breakage syndrome. F603S has not been observed in cases with relevant disease. Relevant functional assessments of this variant are not available in the literature. F603S has not been observed in referenced population frequency databases. In summary, there is insufficient evidence to classify NM_002485.4(NBN):c.1808T>C(F603S) as pathogenic or benign. Please note: this variant was assessed in the context of healthy population screening.

Labcorp Genetics (formerly Invitae), Labcorp
Classification: Uncertain significance for Microcephaly, normal intelligence and immunodeficiency. Last evaluated: 2022-11-23. Review status: criteria provided, single submitter. Criteria: Invitae Variant Classification Sherloc (09022015). Collection method: clinical testing. Allele origin: germline.
Comment: This sequence change replaces phenylalanine, which is neutral and non-polar, with serine, which is neutral and polar, at codon 603 of the NBN protein (p.Phe603Ser). This variant is not present in population databases (gnomAD no frequency). This variant has not been reported in the literature in individuals affected with NBN-related conditions. ClinVar contains an entry for this variant (Variation ID: 1307147). Algorithms developed to predict the effect of missense changes on protein structure and function output the following: SIFT: "Tolerated"; PolyPhen-2: "Benign"; Align-GVGD: "Class C0". The serine amino acid residue is found in multiple mammalian species, which suggests that this missense change does not adversely affect protein function. In summary, the available evidence is currently insufficient to determine the role of this variant in disease. Therefore, it has been classified as a Variant of Uncertain Significance.

GeneDx
Classification: Uncertain significance. Last evaluated: 2019-07-11. Review status: criteria provided, single submitter. Criteria: GeneDx Variant Classification Process June 2021. Collection method: clinical testing. Allele origin: germline. Affected: yes.
Comment: Not observed in large population cohorts (Lek et al., 2016); In silico analysis, which includes protein predictors and evolutionary conservation, supports that this variant does not alter protein structure/function; Has not been previously published as pathogenic or benign to our knowledge